The following is an entry in ClinVar:

ClinVar aggregate classification (germline): Uncertain significance. Review status: criteria provided, multiple submitters, no conflicts (2 of 4 stars). 2 submissions from 2 submitters: Uncertain significance (2). Last evaluated 2025-09-18.

Conditions:
Inborn genetic diseases. Identifiers: MedGen C0950123, MeSH D030342.

Allele frequency attached by ClinVar (database versions not stated): gnomAD 0.00001; gnomAD exomes 0.00001; TOPMed 0.00001.
gnomAD v4.1: 9 of 1,611,110 alleles (0.00056%); highest among the groups gnomAD compares: Non-Finnish European, 0.00076%; no homozygotes.

Submissions (2):

Ambry Genetics
Classification: Uncertain significance for Inborn genetic diseases. Last evaluated: 2025-09-18. Review status: criteria provided, single submitter. Criteria: Ambry Variant Classification Scheme 2023. Collection method: clinical testing. Allele origin: germline.
Comment: The p.F547S variant (also known as c.1640T>C), located in coding exon 1 of the SAMD9L gene, results from a T to C substitution at nucleotide position 1640. The phenylalanine at codon 547 is replaced by serine, an amino acid with highly dissimilar properties. This amino acid position is conserved. In addition, the in silico prediction for this alteration is inconclusive. Based on the available evidence, the clinical significance of this variant remains unclear.

Labcorp Genetics (formerly Invitae), Labcorp
Classification: Uncertain significance. Last evaluated: 2024-10-09. Review status: criteria provided, single submitter. Criteria: Invitae Variant Classification Sherloc (09022015). Collection method: clinical testing. Allele origin: germline.
Comment: This sequence change replaces phenylalanine, which is neutral and non-polar, with serine, which is neutral and polar, at codon 547 of the SAMD9L protein (p.Phe547Ser). This variant is present in population databases (no rsID available, gnomAD 0.0009%). This variant has not been reported in the literature in individuals affected with SAMD9L-related conditions. Invitae Evidence Modeling of protein sequence and biophysical properties (such as structural, functional, and spatial information, amino acid conservation, physicochemical variation, residue mobility, and thermodynamic stability) indicates that this missense variant is expected to disrupt SAMD9L protein function with a positive predictive value of 80%. In summary, the available evidence is currently insufficient to determine the role of this variant in disease. Therefore, it has been classified as a Variant of Uncertain Significance.

NM_152703.5(SAMD9L):c.1640T>C (p.Phe547Ser)

Gene: SAMD9L (sterile alpha motif domain containing 9 like; minus strand). Cytogenetic location: 7q21.2.
Variant type: single nucleotide variant.
Coding change: c.1640T>C on transcript NM_152703.5 (MANE Select); coding-DNA position 1640, T replaced by C.
Protein change: p.Phe547Ser; replaces phenylalanine 547 with serine.
Molecular consequence: missense variant.
Genome position (GRCh38, 1-based): chr7:93,134,332, A>G on the plus strand (T>C on the coding strand, the complement: SAMD9L is on the minus strand). VCF-style: chr7-93134332-A-G. GRCh37 (hg19) VCF-style: chr7-92763645-A-G.
Other names: c.1640T>C, p.Phe547Ser (NM_001350085.2, NM_001303496.3, NM_001303497.3 and 5 more transcripts); c.1640T>C (NM_152703.2); short protein forms F547S.
Identifiers: ClinVar variation 2871086 (VCV002871086.4), dbSNP rs1490296845, ClinGen allele CA368195433.
Genomic context (GRCh38, chr7:93,134,332, plus strand): 5'-AAAGCCCAGAAAGTTTCAATGAGTGGATCTCCTGGGCTTTCCACTGAAGAGAGTAATAGA[A>G]ACACTACCAAAAATTTTCCTCTTGTCATTATATTTTCATCTGTGAGAAATAAAATTAGTT-3'
Protein context (NP_689916.2, residues 537-557): IMTRGKFLVV[Phe547Ser]LLLSSVESPG